The following is an entry in ClinVar:

ClinVar aggregate classification (germline): Likely benign (1 of 4 stars; one submission).

Conditions:
Glanzmann thrombasthenia. Also called: PLATELET GLYCOPROTEIN IIb-IIIa DEFICIENCY; Thrombasthenia; Glanzmann's thrombasthenia; BLEEDING DISORDER, PLATELET-TYPE, 2; THROMBASTHENIA OF GLANZMANN AND NAEGELI. Identifiers: Orphanet 849, MedGen C0040015, MONDO:0100326.

Allele frequency attached by ClinVar (database versions not stated): gnomAD 0.00013; gnomAD exomes 0.00026; TOPMed 0.00029; ExAC 0.00031; 1000 Genomes Project 30x 0.00062; 1000 Genomes Project 0.00080.
gnomAD v4.1: 434 of 1,578,452 alleles (0.027%); highest among the groups gnomAD compares: East Asian, 0.93%; no homozygotes.

Submission:

Illumina Laboratory Services, Illumina
Classification: Likely benign for Glanzmann thrombasthenia 1. Last evaluated: 2018-01-13. Review status: criteria provided, single submitter. Criteria: ICSL Variant Classification Criteria 13 December 2019. Collection method: clinical testing. Allele origin: germline.
Comment: This variant was observed in the ICSL laboratory as part of a predisposition screen in an ostensibly healthy population. It had not been previously curated by ICSL or reported in the Human Gene Mutation Database (HGMD: prior to June 1st, 2018), and was therefore a candidate for classification through an automated scoring system. Utilizing variant allele frequency, disease prevalence and penetrance estimates, and inheritance mode, an automated score was calculated to assess if this variant is too frequent to cause the disease. Based on the score and internal cut-off values, a variant classified as likely benign is not then subjected to further curation. The score for this variant resulted in a classification of likely benign for this disease.

NM_000419.5(ITGA2B):c.*51C>T

Gene: ITGA2B (integrin subunit alpha 2b; minus strand). Cytogenetic location: 17q21.31.
Variant type: single nucleotide variant.
Coding change: c.*51C>T on transcript NM_000419.5 (MANE Select); 51 bases downstream of the stop codon, C replaced by T.
Molecular consequence: 3 prime UTR variant.
Genome position (GRCh38, 1-based): chr17:44,372,313, G>A on the plus strand (C>T on the coding strand, the complement: ITGA2B is on the minus strand). VCF-style: chr17-44372313-G-A. GRCh37 (hg19) VCF-style: chr17-42449681-G-A.
Other names: c.*51C>T (LRG_479t1).
Identifiers: ClinVar variation 323541 (VCV000323541.5), dbSNP rs139513907, ClinGen allele CA8602442.
Genomic context (GRCh38, chr17:44,372,313, plus strand): 5'-AGAGGACCCAATGGAACAGCTCCAACCCAAAGCTTGGAGGCAACTTGTTGGAGAAGGGGC[G>A]GTGCAGGTAGCACGCCCAACCCTCCTGCTAGAATAGTGTAGGCTGCACCATCACTCCCCC-3'